The following is an entry in ClinVar:

NM_152228.3(TAS1R3):c.1420T>A (p.Phe474Ile)

Gene: TAS1R3 (taste 1 receptor member 3; plus strand). Cytogenetic location: 1p36.33.
Variant type: single nucleotide variant.
Coding change: c.1420T>A on transcript NM_152228.3 (MANE Select); coding-DNA position 1420, T replaced by A.
Protein change: p.Phe474Ile; replaces phenylalanine 474 with isoleucine.
Molecular consequence: missense variant.
Genome position (GRCh38, 1-based): chr1:1,333,065, T>A. VCF-style: chr1-1333065-T-A. GRCh37 (hg19) VCF-style: chr1-1268445-T-A.
Other names: c.1420T>A (NM_152228.1); short protein forms F474I.
Identifiers: ClinVar variation 3771837 (VCV003771837.14).

ClinVar aggregate classification (germline): Uncertain significance. Review status: criteria provided, multiple submitters, no conflicts (2 of 4 stars). 2 submissions from 2 submitters: Uncertain significance (2). Last evaluated 2025-06-24.

gnomAD v4.1: 12 of 1,612,590 alleles (0.00074%); highest among the groups gnomAD compares: Non-Finnish European, 0.001%; no homozygotes.

Submissions (2):

Ambry Genetics
Classification: Uncertain significance. Last evaluated: 2025-06-24. Review status: criteria provided, single submitter. Criteria: Ambry Variant Classification Scheme 2023. Collection method: clinical testing. Allele origin: germline.

CeGaT Center for Human Genetics Tuebingen
Classification: Uncertain significance. Last evaluated: 2025-02-01. Review status: criteria provided, single submitter. Criteria: CeGaT Center For Human Genetics Tuebingen Variant Classification Criteria Version 2. Collection method: clinical testing. Allele origin: germline. Affected: yes. Observed: 1 variant allele.
Comment: TAS1R3: PM2